The following is an entry in ClinVar:

ClinVar aggregate classification (germline): Uncertain significance (1 of 4 stars; one submission).

gnomAD v4.1: 7 of 1,613,182 alleles (0.00043%); highest among the groups gnomAD compares: Non-Finnish European, 0.00059%; no homozygotes.

Submission:

GeneDx
Classification: Uncertain significance. Last evaluated: 2023-06-12. Review status: criteria provided, single submitter. Criteria: GeneDx Variant Classification Process June 2021. Collection method: clinical testing. Allele origin: germline. Affected: yes.
Comment: Not observed at significant frequency in large population cohorts (gnomAD); Missense variant in a gene in which most reported pathogenic variants are truncating/loss of function; Has not been previously published as pathogenic or benign to our knowledge

NM_001267550.2(TTN):c.62832A>G (p.Ile20944Met)

Genes: TTN (titin; minus strand), TTN-AS1 (TTN antisense RNA 1; plus strand). Cytogenetic location: 2q31.2.
Variant type: single nucleotide variant.
Coding change: c.62832A>G on transcript NM_001267550.2 (MANE Select); coding-DNA position 62832, A replaced by G.
Protein change: p.Ile20944Met; replaces isoleucine 20944 with methionine.
Molecular consequence: missense variant.
Genome position (GRCh38, 1-based): chr2:178,588,893, T>C on the plus strand (A>G on the coding strand, the complement: TTN is on the minus strand). VCF-style: chr2-178588893-T-C. GRCh37 (hg19) VCF-style: chr2-179453620-T-C.
Other names: c.57909A>G, p.Ile19303Met (NM_001256850.1); c.35637A>G, p.Ile11879Met (NM_003319.4); c.55128A>G, p.Ile18376Met (NM_133378.4); c.36012A>G, p.Ile12004Met (NM_133432.3); c.36213A>G, p.Ile12071Met (NM_133437.4); short protein forms I11879M, I12004M, I12071M, I18376M, I19303M, I20944M.
Identifiers: ClinVar variation 3359849 (VCV003359849.1).
Genomic context (GRCh38, chr2:178,588,893, plus strand): 5'-AGGTTTATCATACTTGGTTTTGGCTATGACTGGTTTACTTTCTGTTGGAGGCCCTGTGCC[T>C]ATTTTATTTTCTGCACGGACTCTGAAAATATATTCATTTCCTTCTATGAGACGTGTTACT-3'
Protein context (NP_001254479.2, residues 20934-20954): YIFRVRAENK[Ile20944Met]GTGPPTESKP